The following is an entry in ClinVar:

NM_003114.5(SPAG1):c.826G>A (p.Val276Ile)

Gene: SPAG1 (sperm associated antigen 1; plus strand). Cytogenetic location: 8q22.2.
Variant type: single nucleotide variant.
Coding change: c.826G>A on transcript NM_003114.5 (MANE Select); coding-DNA position 826, G replaced by A.
Protein change: p.Val276Ile; replaces valine 276 with isoleucine.
Molecular consequence: missense variant.
Genome position (GRCh38, 1-based): chr8:100,187,244, G>A. VCF-style: chr8-100187244-G-A. GRCh37 (hg19) VCF-style: chr8-101199472-G-A.
Other names: c.826G>A, p.Val276Ile (NM_001374321.1, NM_172218.3); short protein forms V276I.
Identifiers: ClinVar variation 1762695 (VCV001762695.4), dbSNP rs556715100, ClinGen allele CA371803229.

ClinVar aggregate classification (germline): Conflicting classifications of pathogenicity. Review status: criteria provided, conflicting classifications (1 of 4 stars). 2 submissions from 2 submitters: Uncertain significance (1); Likely benign (1). Last evaluated 2022-07-06.

Conditions:
Primary ciliary dyskinesia 28. Also called: CILIARY DYSKINESIA, PRIMARY, 28, WITH OR WITHOUT SITUS INVERSUS. Identifiers: Orphanet 244, MedGen C3809706, MONDO:0014216, OMIM 615505.
Primary ciliary dyskinesia. Also called: Ciliary dyskinesia. Identifiers: Orphanet 244, MedGen C0008780, MONDO:0016575, HP:0012265.

Allele frequency attached by ClinVar (database versions not stated): TOPMed 0.00002.
gnomAD v4.1: 9 of 1,604,552 alleles (0.00056%); highest among the groups gnomAD compares: Middle Eastern, 0.017%; no homozygotes.

Submissions (2):

Labcorp Genetics (formerly Invitae), Labcorp
Classification: Uncertain significance for Primary ciliary dyskinesia 28. Last evaluated: 2022-07-06. Review status: criteria provided, single submitter. Criteria: Invitae Variant Classification Sherloc (09022015). Collection method: clinical testing. Allele origin: germline.
Comment: This sequence change replaces valine, which is neutral and non-polar, with isoleucine, which is neutral and non-polar, at codon 276 of the SPAG1 protein (p.Val276Ile). This variant is present in population databases (no rsID available, gnomAD 0.003%). This variant has not been reported in the literature in individuals affected with SPAG1-related conditions. Algorithms developed to predict the effect of missense changes on protein structure and function output the following: SIFT: "Tolerated"; PolyPhen-2: "Benign"; Align-GVGD: "Class C0". The isoleucine amino acid residue is found in multiple mammalian species, which suggests that this missense change does not adversely affect protein function. In summary, the available evidence is currently insufficient to determine the role of this variant in disease. Therefore, it has been classified as a Variant of Uncertain Significance.

Ambry Genetics
Classification: Likely benign for Primary ciliary dyskinesia. Last evaluated: 2022-03-03. Review status: criteria provided, single submitter. Criteria: Ambry Variant Classification Scheme 2023. Collection method: clinical testing. Allele origin: germline.